The following is an entry in ClinVar:

NM_001846.4(COL4A2):c.701G>T (p.Gly234Val)

Gene: COL4A2 (collagen type IV alpha 2 chain; plus strand). Cytogenetic location: 13q34.
Variant type: single nucleotide variant.
Coding change: c.701G>T on transcript NM_001846.4 (MANE Select); coding-DNA position 701, G replaced by T.
Protein change: p.Gly234Val; replaces glycine 234 with valine.
Molecular consequence: missense variant.
Genome position (GRCh38, 1-based): chr13:110,434,417, G>T. VCF-style: chr13-110434417-G-T. GRCh37 (hg19) VCF-style: chr13-111086764-G-T.
Other names: short protein forms G234V.
Identifiers: ClinVar variation 3897286 (VCV003897286.1).

ClinVar aggregate classification (germline): Uncertain significance (1 of 4 stars; one submission).

Submission:

GeneDx
Classification: Uncertain significance. Last evaluated: 2024-10-29. Review status: criteria provided, single submitter. Criteria: GeneDx Variant Classification Process June 2021. Collection method: clinical testing. Allele origin: germline. Affected: yes.
Comment: Not observed at significant frequency in large population cohorts (gnomAD); In silico analysis supports that this missense variant has a deleterious effect on protein structure/function; Has not been previously published as pathogenic or benign to our knowledge